The following is an entry in ClinVar:

ClinVar aggregate classification (germline): Benign/Likely benign. Review status: criteria provided, multiple submitters, no conflicts (2 of 4 stars). 6 submissions from 6 submitters: Benign (3); Likely benign (2). 1 of the submissions does not count toward it. Last evaluated 2026-04-22.

Conditions:
CLIC5-related disorder. Also called: CLIC5-related condition.

Allele frequency attached by ClinVar (database versions not stated): gnomAD exomes 0.00018 and 0.00058; TOPMed 0.00024; gnomAD 0.00025 and 0.00031; ExAC 0.00045; 1000 Genomes Project 30x 0.00078; 1000 Genomes Project 0.00100.
gnomAD v4.1: 314 of 1,614,212 alleles (0.019%); highest among the groups gnomAD compares: East Asian, 0.4%; 1 homozygote.

Submissions (6):

Women's Health and Genetics/Laboratory Corporation of America, LabCorp
Classification: Likely benign. Last evaluated: 2026-04-22. Review status: criteria provided, single submitter. Criteria: LabCorp Variant Classification Summary - May 2015. Collection method: clinical testing. Allele origin: germline.

Labcorp Genetics (formerly Invitae), Labcorp
Classification: Benign. Last evaluated: 2025-03-04. Review status: criteria provided, single submitter. Criteria: Invitae Variant Classification Sherloc (09022015). Collection method: clinical testing. Allele origin: germline.

Blueprint Genetics
Classification: Likely benign. Last evaluated: 2024-11-20. Review status: criteria provided, single submitter. Criteria: ACMG Guidelines, 2015. Collection method: clinical testing. Allele origin: germline.

GeneDx
Classification: Benign. Last evaluated: 2019-08-07. Review status: criteria provided, single submitter. Criteria: GeneDx Variant Classification Process June 2021. Collection method: clinical testing. Allele origin: germline. Affected: yes.

Laboratory for Molecular Medicine, Mass General Brigham Personalized Medicine
Classification: Benign. Last evaluated: 2017-08-23. Review status: criteria provided, single submitter. Criteria: LMM Criteria. Collection method: clinical testing. Allele origin: germline. Observed: 1 variant allele.
Comment: p.Ala391Ala in exon 6 of CLIC5: This variant is not expected to have clinical si gnificance because it does not alter an amino acid residue, is not located withi n the splice consensus sequence, and has been identified in 0.54% (47/8632) of E ast Asian chromosomes by the Exome Aggregation Consortium (ExAC; dbSNP rs187897856).

PreventionGenetics, part of Exact Sciences
Classification: Likely benign for CLIC5-related condition. Last evaluated: 2024-06-03. Review status: no assertion criteria provided. Collection method: clinical testing. Allele origin: germline. Not counted in ClinVar's aggregate classification.
Comment: This variant is classified as likely benign based on ACMG/AMP sequence variant interpretation guidelines (Richards et al. 2015 PMID: 25741868, with internal and published modifications).

NM_016929.5(CLIC5):c.696A>T (p.Ala232=)

Gene: CLIC5 (CLIC family member 5; minus strand). Cytogenetic location: 6p21.1.
Variant type: single nucleotide variant.
Coding change: c.696A>T on transcript NM_016929.5 (MANE Select); coding-DNA position 696, A replaced by T.
Protein change: p.Ala232=; no amino-acid change (alanine 232 retained).
Molecular consequence: synonymous variant. On other transcripts: non-coding transcript variant (2).
Genome position (GRCh38, 1-based): chr6:45,903,148, T>A on the plus strand (A>T on the coding strand, the complement: CLIC5 is on the minus strand). VCF-style: chr6-45903148-T-A. GRCh37 (hg19) VCF-style: chr6-45870885-T-A.
Other names: c.1173A>T, p.Ala391= (NM_001114086.2, NM_001370650.1); c.579A>T, p.Ala193= (NM_001370649.1).
Identifiers: ClinVar variation 666618 (VCV000666618.15), dbSNP rs187897856, ClinGen allele CA3836693.